The following is an entry in ClinVar:

ClinVar aggregate classification (germline): Uncertain significance (1 of 4 stars; one submission).

Conditions:
Inborn genetic diseases. Identifiers: MedGen C0950123, MeSH D030342.

Submission:

Ambry Genetics
Classification: Uncertain significance for Inborn genetic diseases. Last evaluated: 2023-12-07. Review status: criteria provided, single submitter. Criteria: Ambry Variant Classification Scheme 2023. Collection method: clinical testing. Allele origin: germline.
Comment: The p.A253T variant (also known as c.757G>A), located in coding exon 3 of the LTBP3 gene, results from a G to A substitution at nucleotide position 757. The alanine at codon 253 is replaced by threonine, an amino acid with similar properties. This amino acid position is conserved. In addition, this alteration is predicted to be tolerated by in silico analysis. Since supporting evidence is limited at this time, the clinical significance of this alteration remains unclear.

NM_001130144.3(LTBP3):c.757G>A (p.Ala253Thr)

Gene: LTBP3 (latent transforming growth factor beta binding protein 3; minus strand). Cytogenetic location: 11q13.1.
Variant type: single nucleotide variant.
Coding change: c.757G>A on transcript NM_001130144.3 (MANE Select); coding-DNA position 757, G replaced by A.
Protein change: p.Ala253Thr; replaces alanine 253 with threonine.
Molecular consequence: missense variant.
Genome position (GRCh38, 1-based): chr11:65,553,808, C>T on the plus strand (G>A on the coding strand, the complement: LTBP3 is on the minus strand). VCF-style: chr11-65553808-C-T. GRCh37 (hg19) VCF-style: chr11-65321279-C-T.
Other names: c.406G>A, p.Ala136Thr (NM_001164266.1); c.757G>A, p.Ala253Thr (NM_021070.4); short protein forms A136T, A253T.
Identifiers: ClinVar variation 3233186 (VCV003233186.1), dbSNP rs1378571809, ClinGen allele CA381275849.